The following is an entry in ClinVar:

NM_001852.4(COL9A2):c.1604-19_1604-18del

Gene: COL9A2 (collagen type IX alpha 2 chain; minus strand). Cytogenetic location: 1p34.2.
Variant type: Deletion.
Coding change: c.1604-19_1604-18del on transcript NM_001852.4 (MANE Select); 19 bases into the intron before coding-DNA position 1604 through 18 bases into the intron before coding-DNA position 1604, 2 bases deleted (CC; older notation c.1604-19_1604-18delCC).
Molecular consequence: intron variant.
Genome position (GRCh38, 1-based): chr1:40,302,827-40,302,828, GG deleted on the plus strand (CC on the coding strand, the reverse complement: COL9A2 is on the minus strand); deleting any 2 consecutive bases within chr1:40,302,827-40,302,829 gives the same sequence; the c. name uses the placement nearest the transcript's 3' end. VCF-style (leftmost placement, unchanged base first): chr1-40302826-AGG-A. GRCh37 (hg19) VCF-style: chr1-40768498-AGG-A.
Identifiers: ClinVar variation 4995603 (VCV004995603.1).
Genomic context (GRCh38, chr1:40,302,826, plus strand): 5'-CAGGGCTTCCCGCTTGGCACTCACGGCGACCTCTGCCAGTTGCTCTGGAGGGAGGGAGGG[AGG>A]GAGGGAGAGGGAAGTCTATGAGATGGGTGTCAGCAGTAACACTAGGGGAGGCAGAGCATT-3'

ClinVar aggregate classification (germline): Likely benign (1 of 4 stars; one submission).

Conditions:
COL9A2-related disorder. Also called: COL9A2-related condition.

Submission:

PreventionGenetics, part of Exact Sciences
Classification: Likely benign for COL9A2-related condition. Last evaluated: 2026-04-30. Review status: criteria provided, single submitter. Criteria: ACMG Guidelines, 2015. Collection method: clinical testing. Allele origin: germline.
Comment: This variant is classified as likely benign based on ACMG/AMP sequence variant interpretation guidelines (Richards et al. 2015 PMID: 25741868, with internal and published modifications).